The following is an entry in ClinVar:

NM_014254.3(RXYLT1):c.35T>C (p.Leu12Pro)

Gene: RXYLT1 (ribitol xylosyltransferase 1; plus strand). Cytogenetic location: 12q14.2.
Variant type: single nucleotide variant.
Coding change: c.35T>C on transcript NM_014254.3 (MANE Select); coding-DNA position 35, T replaced by C.
Protein change: p.Leu12Pro; replaces leucine 12 with proline.
Molecular consequence: missense variant. On other transcripts: 5 prime UTR variant (1).
Genome position (GRCh38, 1-based): chr12:63,779,995, T>C. VCF-style: chr12-63779995-T-C. GRCh37 (hg19) VCF-style: chr12-64173775-T-C.
Other names: c.-1079T>C (NM_001278237.2); short protein forms L12P.
Identifiers: ClinVar variation 4072713 (VCV004072713.1).

ClinVar aggregate classification (germline): Uncertain significance (1 of 4 stars; one submission).

Submission:

GeneDx
Classification: Uncertain significance. Last evaluated: 2025-02-02. Review status: criteria provided, single submitter. Criteria: GeneDx Variant Classification Process June 2021. Collection method: clinical testing. Allele origin: germline. Affected: yes.
Comment: Not observed at significant frequency in large population cohorts (gnomAD); In silico analysis indicates that this missense variant does not alter protein structure/function; Has not been previously published as pathogenic or benign to our knowledge